The following is an entry in ClinVar:

NM_004304.5(ALK):c.576G>C (p.Glu192Asp)

Gene: ALK (ALK receptor tyrosine kinase; minus strand). Cytogenetic location: 2p23.1.
Variant type: single nucleotide variant.
Coding change: c.576G>C on transcript NM_004304.5 (MANE Select); coding-DNA position 576, G replaced by C.
Protein change: p.Glu192Asp; replaces glutamic acid 192 with aspartic acid.
Molecular consequence: missense variant.
Genome position (GRCh38, 1-based): chr2:29,920,084, C>G on the plus strand (G>C on the coding strand, the complement: ALK is on the minus strand). VCF-style: chr2-29920084-C-G. GRCh37 (hg19) VCF-style: chr2-30142950-C-G.
Other names: short protein forms E192D.
Identifiers: ClinVar variation 2705255 (VCV002705255.3), dbSNP rs2148442950, ClinGen allele CA346589766.
Genomic context (GRCh38, chr2:29,920,084, plus strand): 5'-CTGGGAGGCGCGAATTGCCGCGGACAGCCTTCCCTCTCTGCCCACTTCCGACGCCTTCTT[C>G]TCGGGCATCAGGCGGATCCTCAGTCGCCCTTCGCCTTGGCGAATCCACCAACTGAACAGC-3'
Protein context (NP_004295.2, residues 182-202): EGRLRIRLMP[Glu192Asp]KKASEVGREG

ClinVar aggregate classification (germline): Uncertain significance (1 of 4 stars; one submission).

Conditions:
Neuroblastoma, susceptibility to, 3. Also called: ALK-Related Neuroblastic Tumor Susceptibility. Identifiers: Orphanet 635, MedGen C2751681, MONDO:0013083, OMIM 613014.

Submission:

Labcorp Genetics (formerly Invitae), Labcorp
Classification: Uncertain significance for Neuroblastoma, susceptibility to, 3. Last evaluated: 2024-01-08. Review status: criteria provided, single submitter. Criteria: Invitae Variant Classification Sherloc (09022015). Collection method: clinical testing. Allele origin: germline.
Comment: This sequence change replaces glutamic acid, which is acidic and polar, with aspartic acid, which is acidic and polar, at codon 192 of the ALK protein (p.Glu192Asp). This variant is not present in population databases (gnomAD no frequency). This variant has not been reported in the literature in individuals affected with ALK-related conditions. An algorithm developed to predict the effect of missense changes on protein structure and function (PolyPhen-2) suggests that this variant is likely to be disruptive. In summary, the available evidence is currently insufficient to determine the role of this variant in disease. Therefore, it has been classified as a Variant of Uncertain Significance.